The following is an entry in ClinVar:

ClinVar aggregate classification (germline): Uncertain significance (1 of 4 stars; one submission).

Conditions:
Arrhythmogenic cardiomyopathy with wooly hair and keratoderma. Also called: Carvajal syndrome; PALMOPLANTAR KERATODERMA WITH LEFT VENTRICULAR CARDIOMYOPATHY AND WOOLLY HAIR; Dilated cardiomyopathy with woolly hair and keratoderma; Arrhythmogenic cardiomyopathy with woolly hair and keratoderma. Identifiers: Orphanet 65282, MedGen C1854063, MONDO:0011581, OMIM 605676.

Submission:

All of Us Research Program, National Institutes of Health
Classification: Uncertain significance for Arrhythmogenic cardiomyopathy with wooly hair and keratoderma. Last evaluated: 2023-04-03. Review status: criteria provided, single submitter. Criteria: ACMG Guidelines, 2015. Collection method: clinical testing. Allele origin: germline. Inheritance: Autosomal dominant inheritance. Observed: 1 variant allele, 1 heterozygote.
Comment: This variant is located in the DSP protein. To our knowledge, functional studies have not been reported for this variant. This variant has not been reported in individuals affected with DSP-related disorders in the literature. This variant has not been identified in the general population by the Genome Aggregation Database (gnomAD). The available evidence is insufficient to determine the role of this variant in disease conclusively. Therefore, this variant is classified as a Variant of Uncertain Significance.

This study involves interpretation of variants in research participants for the purpose of population health screening. Participant phenotype was not available at the time of variant classification. Additional details can be found in publication PMID: 35346344, PMCID: PMC8962531

NM_004415.4(DSP):c.2307A>C (p.Thr769=)

Gene: DSP (desmoplakin; plus strand). Cytogenetic location: 6p24.3.
Variant type: single nucleotide variant.
Coding change: c.2307A>C on transcript NM_004415.4 (MANE Select); coding-DNA position 2307, A replaced by C.
Protein change: p.Thr769=; no amino-acid change (threonine 769 retained).
Molecular consequence: synonymous variant.
Genome position (GRCh38, 1-based): chr6:7,574,666, A>C. VCF-style: chr6-7574666-A-C. GRCh37 (hg19) VCF-style: chr6-7574899-A-C.
Other names: c.2307A>C, p.Thr769= (NM_001008844.3, NM_001319034.2).
Identifiers: ClinVar variation 3070209 (VCV003070209.1), dbSNP rs2533905964, ClinGen allele CA448527150.